The following is an entry in ClinVar:

ClinVar aggregate classification (germline): Uncertain significance. Review status: criteria provided, multiple submitters, no conflicts (2 of 4 stars). 2 submissions from 2 submitters: Uncertain significance (2). Last evaluated 2022-05-08.

Conditions:
Hereditary spastic paraplegia. Also called: Familial spastic paraparesis. Identifiers: Orphanet 685, MedGen C0037773, MONDO:0019064. Disease mechanism: loss of function.
Infantile-onset ascending hereditary spastic paralysis (IAHSP). Also called: Autosomal Recessive Juvenile Amyotrophic Lateral Sclerosis; Infantile-Onset Ascending Hereditary Spastic Paralysis (IAHSP). Identifiers: Orphanet 293168, MedGen C2931441, MONDO:0011797, OMIM 607225. Disease mechanism: loss of function.

Allele frequency attached by ClinVar (database versions not stated): ExAC 0.00002; gnomAD 0.00003 and 0.00004; gnomAD exomes 0.00003; TOPMed 0.00006; ESP Exome Variant Server 0.00008.
gnomAD v4.1: 24 of 1,613,978 alleles (0.0015%); highest among the groups gnomAD compares: Admixed American, 0.0067%; no homozygotes.

Submissions (2):

Labcorp Genetics (formerly Invitae), Labcorp
Classification: Uncertain significance for Infantile-onset ascending hereditary spastic paralysis. Last evaluated: 2022-05-08. Review status: criteria provided, single submitter. Criteria: Invitae Variant Classification Sherloc (09022015). Collection method: clinical testing. Allele origin: germline.
Comment: This sequence change replaces histidine, which is basic and polar, with arginine, which is basic and polar, at codon 761 of the ALS2 protein (p.His761Arg). This variant is present in population databases (rs370377488, gnomAD 0.006%). This variant has not been reported in the literature in individuals affected with ALS2-related conditions. Algorithms developed to predict the effect of missense changes on protein structure and function (SIFT, PolyPhen-2, Align-GVGD) all suggest that this variant is likely to be tolerated. In summary, the available evidence is currently insufficient to determine the role of this variant in disease. Therefore, it has been classified as a Variant of Uncertain Significance.

Genome Diagnostics Laboratory, The Hospital for Sick Children
Classification: Uncertain significance for Hereditary spastic paraplegia. Last evaluated: 2019-09-01. Review status: criteria provided, single submitter. Criteria: ACMG Guidelines, 2015. Collection method: clinical testing. Allele origin: germline. Affected: yes.

NM_020919.4(ALS2):c.2282A>G (p.His761Arg)

Gene: ALS2 (alsin Rho guanine nucleotide exchange factor ALS2; minus strand). Cytogenetic location: 2q33.1.
Variant type: single nucleotide variant.
Coding change: c.2282A>G on transcript NM_020919.4 (MANE Select); coding-DNA position 2282, A replaced by G.
Protein change: p.His761Arg; replaces histidine 761 with arginine.
Molecular consequence: missense variant.
Genome position (GRCh38, 1-based): chr2:201,741,743, T>C on the plus strand (A>G on the coding strand, the complement: ALS2 is on the minus strand). VCF-style: chr2-201741743-T-C. GRCh37 (hg19) VCF-style: chr2-202606466-T-C.
Other names: short protein forms H761R.
Identifiers: ClinVar variation 1344341 (VCV001344341.7), dbSNP rs370377488, ClinGen allele CA2058236.
Genomic context (GRCh38, chr2:201,741,743, plus strand): 5'-CTATCCAAGAAGAGACTTGAATGCTTCAGGATGACCAAACTCCTGGCTTCCTTTACCCCA[T>C]GAAGGAAGCTGCTCAATGAGGCTCCATGCTGACCAATGAGGTAACACAGCTTGCTGAATC-3'
Protein context (NP_065970.2, residues 751-771): QHGASLSSFL[His761Arg]GVKEARSLVI